The following is an entry in ClinVar:

ClinVar aggregate classification (germline): Conflicting classifications of pathogenicity. Review status: criteria provided, conflicting classifications (1 of 4 stars). 5 submissions from 5 submitters: Uncertain significance (2); Likely benign (2). 1 of the submissions does not count toward it. Last evaluated 2025-11-11.

Conditions:
Hereditary cancer-predisposing syndrome. Also called: Tumor predisposition; Hereditary neoplastic syndrome; Neoplastic Syndromes, Hereditary; Hereditary Cancer Syndrome. Identifiers: Orphanet 140162, MedGen C0027672, MeSH D009386, MONDO:0015356.
Gorlin syndrome. Also called: Nevoid Basal Cell Carcinoma Syndrome; Basal cell nevus syndrome. Identifiers: Orphanet 377, MedGen C0004779, MONDO:0007187.

Allele frequency attached by ClinVar (database versions not stated): gnomAD exomes 0.00001; TOPMed 0.00002; gnomAD 0.00003; ESP Exome Variant Server 0.00008.

Submissions (5):

Labcorp Genetics (formerly Invitae), Labcorp
Classification: Likely benign for Gorlin syndrome. Last evaluated: 2025-11-11. Review status: criteria provided, single submitter. Criteria: Invitae Variant Classification Sherloc (09022015). Collection method: clinical testing. Allele origin: germline.

Quest Diagnostics Nichols Institute San Juan Capistrano
Classification: Uncertain significance. Last evaluated: 2024-02-01. Review status: criteria provided, single submitter. Criteria: Quest Diagnostics criteria. Collection method: clinical testing. Allele origin: unknown.
Comment: The PTCH1 c.139C>T (p.Arg47Trp) variant has been reported in the published literature in a reportedly healthy individual (PMID: 24728327 (2014)). The frequency of this variant in the general population, 0.000024 (3/123652 chromosomes (Genome Aggregation Database)), is uninformative in the assessment of its pathogenicity. Analysis of this variant using bioinformatics tools for the prediction of the effect of amino acid changes on protein structure and function yielded predictions that this variant is benign. Based on the available information, we are unable to determine the clinical significance of this variant.

Ambry Genetics
Classification: Likely benign for Hereditary cancer-predisposing syndrome. Last evaluated: 2023-04-05. Review status: criteria provided, single submitter. Criteria: Ambry Variant Classification Scheme 2023. Collection method: clinical testing. Allele origin: germline.

Baylor Genetics
Classification: Uncertain significance for Basal cell nevus syndrome 1. Last evaluated: 2021-04-08. Review status: criteria provided, single submitter. Criteria: ACMG Guidelines, 2015. Collection method: clinical testing. Allele origin: maternal. Affected: yes. Study: CSER-TexasKidsCanSeq.
Comment: This variant was determined to be of uncertain significance according to ACMG Guidelines, 2015 [PMID:25741868].

ITMI
No classification provided. Condition: AllHighlyPenetrant. Last evaluated: 2013-09-19. Review status: no classification provided. Collection method: reference population. Allele origin: germline. Not counted in ClinVar's aggregate classification.
Comment: Please see associated publication for description of ethnicities

Literature cited by the submitters: PubMed 24728327 (cited by Quest Diagnostics Nichols Institute San Juan Capistrano and ITMI).

NM_000264.5(PTCH1):c.139C>T (p.Arg47Trp)

Genes: PTCH1 (patched 1; minus strand), LOC130002133 (ATAC-STARR-seq lymphoblastoid silent region 20071; plus strand). Cytogenetic location: 9q22.32.
Variant type: single nucleotide variant.
Coding change: c.139C>T on transcript NM_000264.5 (MANE Select); coding-DNA position 139, C replaced by T.
Protein change: p.Arg47Trp; replaces arginine 47 with tryptophan.
Molecular consequence: missense variant. On other transcripts: non-coding transcript variant (1), intron variant (3).
Genome position (GRCh38, 1-based): chr9:95,508,223, G>A on the plus strand (C>T on the coding strand, the complement: PTCH1 is on the minus strand). VCF-style: chr9-95508223-G-A. GRCh37 (hg19) VCF-style: chr9-98270505-G-A.
Other names: c.139C>T, p.Arg47Trp (NM_001354918.2); c.199-1624C>T (NM_001083603.3); c.4-1624C>T (NM_001083602.3, NM_001354919.2); c.139C>T (NM_000264.4); short protein forms R47W.
Identifiers: ClinVar variation 135093 (VCV000135093.17), dbSNP rs138729094, ClinGen allele CA161655.
Genomic context (GRCh38, chr9:95,508,223, plus strand): 5'-TGGAAATCTGCTCCAGAGCGAAGGCGGCGTCGCAGTAGCTGGGCCGGTGCAGATAGTCCC[G>A]GTCCGGCGCGGCAGCACGGCGCAGCCCCCCCGTCCGTCTGCGCCTCCCGCCTCCAGCCGG-3'
Protein context (NP_000255.2, residues 37-57): GGLRRAAAPD[Arg47Trp]DYLHRPSYCD